The following is an entry in ClinVar:

ClinVar aggregate classification (germline): Uncertain significance. Review status: criteria provided, multiple submitters, no conflicts (2 of 4 stars). 4 submissions from 4 submitters: Uncertain significance (4). Last evaluated 2024-11-27.

Conditions:
Immunodeficiency, common variable, 2 (CVID2). Also called: HYPOGAMMAGLOBULINEMIA DUE TO TACI DEFICIENCY; ANTIBODY DEFICIENCY DUE TO TACI DEFECT. Identifiers: Orphanet 1572, MedGen C3150354, MONDO:0009413, OMIM 240500.

Allele frequency attached by ClinVar (database versions not stated): TOPMed 0.00003; gnomAD exomes 0.00005 and 0.00007; gnomAD 0.00006 and 0.00008; ExAC 0.00009; 1000 Genomes Project 30x 0.00016; 1000 Genomes Project 0.00020.
gnomAD v4.1: 123 of 1,609,658 alleles (0.0076%); highest among the groups gnomAD compares: East Asian, 0.21%; no homozygotes.

Submissions (4):

Blueprint Genetics
Classification: Uncertain significance. Last evaluated: 2024-11-27. Review status: criteria provided, single submitter. Criteria: ACMG Guidelines, 2015. Collection method: clinical testing. Allele origin: germline.

Labcorp Genetics (formerly Invitae), Labcorp
Classification: Uncertain significance for Immunodeficiency, common variable, 2. Last evaluated: 2024-10-16. Review status: criteria provided, single submitter. Criteria: Invitae Variant Classification Sherloc (09022015). Collection method: clinical testing. Allele origin: germline.
Comment: This sequence change replaces threonine, which is neutral and polar, with methionine, which is neutral and non-polar, at codon 247 of the TNFRSF13B protein (p.Thr247Met). The frequency data for this variant in the population databases is considered unreliable, as metrics indicate poor data quality at this position in the gnomAD database. This missense change has been observed in individual(s) with primary antibody deficiency (PMID: 29921932). ClinVar contains an entry for this variant (Variation ID: 568673). Invitae Evidence Modeling of protein sequence and biophysical properties (such as structural, functional, and spatial information, amino acid conservation, physicochemical variation, residue mobility, and thermodynamic stability) indicates that this missense variant is not expected to disrupt TNFRSF13B protein function with a negative predictive value of 95%. In summary, the available evidence is currently insufficient to determine the role of this variant in disease. Therefore, it has been classified as a Variant of Uncertain Significance.

Dubai Health Genomic Medicine Center, Dubai Health
Classification: Uncertain significance for Immunodeficiency, common variable, 2. Last evaluated: 2020-09-06. Review status: criteria provided, single submitter. Criteria: ACMG Guidelines, 2015. Collection method: clinical testing. Allele origin: germline. Affected: yes.
Comment: The p.Thr247Met in TNFRSF13B has been previously reported in the heterozygous state in one patient with primary antibody deficiency (PMID: 29921932). This variant was also identified in 10/19920 (0.05% 0 homozygotes) East Asian alleles in the Genome Aggregation Database (gnomAD) and in 2/1984 (0.1% 0 homozygotes) total alleles in the Greater Middle East (GME) variome Database. Computational prediction tools and conservation analysis do not suggest an impact to protein function however this information is not predictive enough to rule out pathogenicity. In summary more information is needed to fully assess the clinical significance of this variant.

GeneDx
Classification: Uncertain significance. Last evaluated: 2020-06-04. Review status: criteria provided, single submitter. Criteria: GeneDx Variant Classification Process June 2021. Collection method: clinical testing. Allele origin: germline. Affected: yes.
Comment: In silico analysis supports that this missense variant does not alter protein structure/function; Identified on exome sequencing in an individual with primary antibody deficiency who also harbored a second TNFRSF13B variant (Abolhassani et al., 2019); This variant is associated with the following publications: (PMID: 29921932)

Literature cited by the submitters: PubMed 29921932 (cited by Labcorp Genetics (formerly Invitae), Labcorp).

NM_012452.3(TNFRSF13B):c.740C>T (p.Thr247Met)

Gene: TNFRSF13B (TNF receptor superfamily member 13B; minus strand). Cytogenetic location: 17p11.2.
Variant type: single nucleotide variant.
Coding change: c.740C>T on transcript NM_012452.3 (MANE Select); coding-DNA position 740, C replaced by T.
Protein change: p.Thr247Met; replaces threonine 247 with methionine.
Molecular consequence: missense variant.
Genome position (GRCh38, 1-based): chr17:16,939,689, G>A on the plus strand (C>T on the coding strand, the complement: TNFRSF13B is on the minus strand). VCF-style: chr17-16939689-G-A. GRCh37 (hg19) VCF-style: chr17-16843003-G-A.
Other names: short protein forms T247M.
Identifiers: ClinVar variation 568673 (VCV000568673.11), dbSNP rs149635611, ClinGen allele CA8413863.